The following is an entry in ClinVar:

NM_172107.4(KCNQ2):c.1003C>T (p.Pro335Ser)

Gene: KCNQ2 (potassium voltage-gated channel subfamily Q member 2; minus strand). Cytogenetic location: 20q13.33.
Variant type: single nucleotide variant.
Coding change: c.1003C>T on transcript NM_172107.4 (MANE Select); coding-DNA position 1003, C replaced by T.
Protein change: p.Pro335Ser; replaces proline 335 with serine.
Molecular consequence: missense variant.
Genome position (GRCh38, 1-based): chr20:63,438,645, G>A on the plus strand (C>T on the coding strand, the complement: KCNQ2 is on the minus strand). VCF-style: chr20-63438645-G-A. GRCh37 (hg19) VCF-style: chr20-62069998-G-A.
Other names: c.1003C>T, p.Pro335Ser (NM_004518.6, NM_172106.3, NM_172108.5 and 1 more transcripts); short protein forms P335S.
Identifiers: ClinVar variation 530528 (VCV000530528.3), dbSNP rs1555869700, ClinGen allele CA409652083.

ClinVar aggregate classification (germline): Likely pathogenic. Review status: criteria provided, multiple submitters, no conflicts (2 of 4 stars). 2 submissions from 2 submitters: Likely pathogenic (2). Last evaluated 2022-07-08.

Conditions:
Developmental and epileptic encephalopathy. Identifiers: MedGen C5779964, MONDO:0100620.
Developmental and epileptic encephalopathy, 7 (DEE7). Also called: Early infantile epileptic encephalopathy 7; KCNQ2-Related Neonatal-Onset Developmental and Epileptic Encephalopathy (NEO-DEE); KCNQ2-Related Neonatal Epileptic Encephalopathy. Identifiers: Orphanet 439218, MedGen C3150986, MONDO:0013387, OMIM 613720.

Submissions (2):

Laboratoire de Génétique Moléculaire, CHU Bordeaux
Classification: Likely pathogenic for Developmental and epileptic encephalopathy, 7. Last evaluated: 2022-07-08. Review status: criteria provided, single submitter. Criteria: ACMG Guidelines, 2015. Collection method: clinical testing. Allele origin: germline. Affected: yes.

Labcorp Genetics (formerly Invitae), Labcorp
Classification: Likely pathogenic for Early infantile epileptic encephalopathy. Last evaluated: 2018-02-10. Review status: criteria provided, single submitter. Criteria: Invitae Variant Classification Sherloc (09022015). Collection method: clinical testing. Allele origin: germline.
Comment: This sequence change replaces proline with serine at codon 335 of the KCNQ2 protein (p.Pro335Ser). The proline residue is highly conserved and there is a moderate physicochemical difference between proline and serine. This variant is not present in population databases (ExAC no frequency). Algorithms developed to predict the effect of missense changes on protein structure and function do not agree on the potential impact of this missense change (SIFT: "Deleterious"; PolyPhen-2: "Benign"; Align-GVGD: "Class C0"). In summary, the currently available evidence indicates that the variant is pathogenic, but additional data are needed to prove that conclusively. Therefore, this variant has been classified as Likely Pathogenic.